The following is an entry in ClinVar:

NM_134261.3(RORA):c.275G>C (p.Gly92Ala)

Genes: RORA (RAR related orphan receptor A; minus strand), RORA-AS1 (RORA antisense RNA 1; plus strand). Cytogenetic location: 15q22.2.
Variant type: single nucleotide variant.
Coding change: c.275G>C on transcript NM_134261.3 (MANE Select); coding-DNA position 275, G replaced by C.
Protein change: p.Gly92Ala; replaces glycine 92 with alanine.
Molecular consequence: missense variant.
Genome position (GRCh38, 1-based): chr15:60,531,773, C>G on the plus strand (G>C on the coding strand, the complement: RORA is on the minus strand). VCF-style: chr15-60531773-C-G. GRCh37 (hg19) VCF-style: chr15-60823972-C-G.
Other names: c.350G>C, p.Gly117Ala (NM_002943.4); c.374G>C, p.Gly125Ala (NM_134260.3); c.110G>C, p.Gly37Ala (NM_134262.3); short protein forms G92A, G117A, G125A, G37A.
Identifiers: ClinVar variation 549843 (VCV000549843.2), dbSNP rs1555427498, ClinGen allele CA392665160.

ClinVar aggregate classification (germline): Pathogenic. Review status: criteria provided, single submitter (1 of 4 stars). 2 submissions from 2 submitters: Pathogenic (1). 1 of the submissions does not count toward it. Last evaluated 2020-05-27.

Conditions:
Intellectual developmental disorder with or without epilepsy or cerebellar ataxia. Identifiers: MedGen C4748041, MONDO:0060745, OMIM 618060.

Submissions (2):

Broad Center for Mendelian Genomics, Broad Institute of MIT and Harvard
Classification: Pathogenic for Intellectual developmental disorder with or without epilepsy or cerebellar ataxia. Last evaluated: 2020-05-27. Review status: criteria provided, single submitter. Criteria: ACMG Guidelines, 2015. Collection method: research. Allele origin: germline. Inheritance: Autosomal dominant inheritance.
Comment: Trio exome analysis showed this variant to be de novo. This variant was absent from large population studies and has been reported pathogenic by OMIM in ClinVar (Variation ID: 549843). In vitro functional studies provide some evidence that the p.Gly92Ala variant may impact protein function (PMID: 29656859). However, these types of assays may not accurately represent biological function. Computational prediction tools and conservation analyses suggest that this variant may impact the protein, though this information is not predictive enough to determine pathogenicity. The p.Gly92Ala variant is located in a region of RORA that is essential to protein folding and stability, suggesting that this variant is in a functional domain and slightly supports pathogenicity (PMID: 29656859). In summary, this variant meets criteria to be classified as pathogenic for intellectual developmental disorder with or without epilepsy or cerebellar ataxia in an autosomal dominant manner based on an affected individual with a de novo variant and in vitro functional studies. ACMG/AMP Criteria applied: PS2, PS3, PM2, PP3, PM1_Supporting (Richards 2015).

OMIM
Classification: Pathogenic for INTELLECTUAL DEVELOPMENTAL DISORDER WITHOUT EPILEPSY AND WITH CEREBELLAR ATAXIA. Last evaluated: 2018-07-27. Review status: no assertion criteria provided. Collection method: literature only. Allele origin: germline. Not counted in ClinVar's aggregate classification.

Literature cited by the submitters: PubMed 29656859 (cited by Broad Center for Mendelian Genomics, Broad Institute of MIT and Harvard and OMIM).